The following is an entry in ClinVar:

ClinVar aggregate classification (germline): Uncertain significance (1 of 4 stars; one submission).

Conditions:
Fatal mitochondrial disease due to combined oxidative phosphorylation defect type 3. Also called: ENCEPHALOMYOPATHY, RESPIRATORY FAILURE, AND LACTIC ACIDOSIS; Combined oxidative phosphorylation deficiency 3. Identifiers: Orphanet 168566, MedGen C1864840, MONDO:0012512, OMIM 610505.

gnomAD v4.1: 12 of 1,460,962 alleles (0.00082%); highest among the groups gnomAD compares: East Asian, 0.0093%; no homozygotes.

Submission:

Juno Genomics, Hangzhou Juno Genomics, Inc
Classification: Uncertain significance for Fatal mitochondrial disease due to combined oxidative phosphorylation defect type 3. Review status: criteria provided, single submitter. Criteria: ACMG Guidelines, 2015. Collection method: clinical testing. Allele origin: germline. Affected: yes.
Comment: Absent from controls (or at extremely low frequency if recessive) in Genome Aggregation Database, Exome Sequencing Project, 1000 Genomes Project, or Exome Aggregation Consortium.;Multiple lines of computational evidence support a deleterious effect on the gene or gene product (conservation, evolutionary, splicing impact, etc).

NM_005726.6(TSFM):c.935G>A (p.Arg312Gln)

Gene: TSFM (Ts translation elongation factor, mitochondrial; plus strand). Cytogenetic location: 12q14.1.
Variant type: single nucleotide variant.
Coding change: c.935G>A on transcript NM_005726.6 (MANE Select); coding-DNA position 935, G replaced by A.
Protein change: p.Arg312Gln; replaces arginine 312 with glutamine.
Molecular consequence: missense variant. On other transcripts: 3 prime UTR variant (1), intron variant (1).
Genome position (GRCh38, 1-based): chr12:57,796,540, G>A. VCF-style: chr12-57796540-G-A. GRCh37 (hg19) VCF-style: chr12-58190323-G-A.
Other names: c.*343G>A (NM_001172695.2); c.998G>A, p.Arg333Gln (NM_001172696.2); c.571+3467G>A (NM_001172697.2); short protein forms R312Q, R333Q.
Identifiers: ClinVar variation 3382122 (VCV003382122.2).